The following is an entry in ClinVar:

NM_001130438.3(SPTAN1):c.1799C>A (p.Ala600Asp)

Gene: SPTAN1 (spectrin alpha, non-erythrocytic 1; plus strand). Cytogenetic location: 9q34.11.
Variant type: single nucleotide variant.
Coding change: c.1799C>A on transcript NM_001130438.3 (MANE Select); coding-DNA position 1799, C replaced by A.
Protein change: p.Ala600Asp; replaces alanine 600 with aspartic acid.
Molecular consequence: missense variant.
Genome position (GRCh38, 1-based): chr9:128,582,842, C>A. VCF-style: chr9-128582842-C-A. GRCh37 (hg19) VCF-style: chr9-131345121-C-A.
Other names: p.A600D:GCT>GAT; c.1799C>A, p.Ala600Asp (NM_001195532.2, NM_001363759.2, NM_001363765.2 and 1 more transcripts); short protein forms A600D.
Identifiers: ClinVar variation 207323 (VCV000207323.3), dbSNP rs745720603, ClinGen allele CA318678.

ClinVar aggregate classification (germline): Uncertain significance. Review status: criteria provided, multiple submitters, no conflicts (2 of 4 stars). 2 submissions from 2 submitters: Uncertain significance (2). Last evaluated 2026-07-20.

Conditions:
Inborn genetic diseases. Identifiers: MedGen C0950123, MeSH D030342.

Allele frequency attached by ClinVar (database versions not stated): TOPMed below 0.00001; ExAC 0.00001; gnomAD 0.00001.
gnomAD v4.1: 1 of 1,612,712 alleles (0.000062%); highest among the groups gnomAD compares: Non-Finnish European, 0.000085%; no homozygotes.

Submissions (2):

Ambry Genetics
Classification: Uncertain significance for Inborn genetic diseases. Last evaluated: 2026-07-20. Review status: criteria provided, single submitter. Criteria: Ambry Variant Classification Scheme 2023. Collection method: clinical testing. Allele origin: germline.

GeneDx
Classification: Uncertain significance. Last evaluated: 2014-08-05. Review status: criteria provided, single submitter. Criteria: GeneDx Variant Classification (06012015). Collection method: clinical testing. Allele origin: germline. Affected: yes.
Comment: p.Ala600Asp (GCT>GAT): c.1799 C>A in exon 14 of the SPTAN1 gene (NM_001130438.2) The A600D variant has not been published as a mutation, nor has it been reported as a benign polymorphism to our knowledge. It was not observed in approximately 6,500 individuals of European and African American ancestry in the NHLBI Exome Sequencing Project, indicating it is not a common benign variant in these populations. The A600D variant is a non-conservative amino acid substitution, which is likely to impact secondary protein structure as these residues differ in polarity, charge, size and/or other properties. This substitution alters a conserved position in the predicted 7th spectrin repeat of the SPTAN1 protein. However, previously reported pathogenic mutations in SPTAN1 include in-frame deletions or duplications located within the last four spectrin repeats of the protein, which are essential for dimerization (Saitsu et al., 2010), and the A600 residue is outside this region. In silico analysis is inconsistent in its predictions as to whether or not the variant is damaging to the protein structure/function. Therefore, based on the currently available information, it is unclear whether this variant is a pathogenic mutation or a rare benign variant. The variant is found in INFANT-EPI panel(s).